The following is an entry in ClinVar:

ClinVar aggregate classification (germline): Conflicting classifications of pathogenicity. Review status: criteria provided, conflicting classifications (1 of 4 stars). 2 submissions from 2 submitters: Pathogenic (1); Uncertain significance (1). Last evaluated 2026-05-10.

Conditions:
VPS13B-related disorder. Also called: VPS13B-related condition.
Cohen syndrome (COH1). Also called: PEPPER SYNDROME; Cutis verticis gyrata, retinitis pigmentosa, and sensorineural deafness. Identifiers: Orphanet 193, MedGen C0265223, MONDO:0008999, OMIM 216550.

Submissions (2):

PreventionGenetics, part of Exact Sciences
Classification: Uncertain significance for VPS13B-related condition. Last evaluated: 2026-05-10. Review status: criteria provided, single submitter. Criteria: ACMG Guidelines, 2015. Collection method: clinical testing. Allele origin: germline.
Comment: The VPS13B c.11886dupC variant is predicted to result in a frameshift and premature protein termination (p.Ser3963Leufs*4). To our knowledge, this variant has not been reported in the literature or in a large population database (gnomAD), indicating this variant is rare. No truncating variants downstream of this position have been reported in the literature. Although we suspect that this variant may be pathogenic, at this time, the clinical significance of this variant is uncertain due to the absence of conclusive functional and genetic evidence.

Labcorp Genetics (formerly Invitae), Labcorp
Classification: Pathogenic for Cohen syndrome. Last evaluated: 2025-04-11. Review status: criteria provided, single submitter. Criteria: Invitae Variant Classification Sherloc (09022015). Collection method: clinical testing. Allele origin: germline.
Comment: This sequence change creates a premature translational stop signal (p.Ser3988Leufs*4) in the VPS13B gene. While this is not anticipated to result in nonsense mediated decay, it is expected to disrupt the last 35 amino acid(s) of the VPS13B protein. This variant is not present in population databases (gnomAD no frequency). This variant has not been reported in the literature in individuals affected with VPS13B-related conditions. ClinVar contains an entry for this variant (Variation ID: 2147740). This variant disrupts a region of the VPS13B protein in which other variant(s) (p.Lys3991Leufs*23) have been determined to be pathogenic (internal data). This suggests that this is a clinically significant region of the protein, and that variants that disrupt it are likely to be disease-causing. For these reasons, this variant has been classified as Pathogenic.

NM_152564.5(VPS13B):c.11886dup (p.Ser3963fs)

Gene: VPS13B (vacuolar protein sorting 13 homolog B; plus strand). Cytogenetic location: 8q22.2.
Variant type: Duplication.
Coding change: c.11886dup on transcript NM_152564.5 (MANE Select); coding-DNA position 11886, one base duplicated (C; older notation c.11886dupC).
Protein change: p.Ser3963fs; shifts the reading frame from serine 3963.
Molecular consequence: frameshift variant.
Genome position (GRCh38, 1-based): chr8:99,875,558, C duplicated; the last of 6 consecutive C bases (chr8:99,875,553-99,875,558); duplicating any one gives the same sequence. VCF-style (leftmost placement, unchanged base first): chr8-99875552-T-TC. GRCh37 (hg19) VCF-style: chr8-100887780-T-TC.
Other names: c.11961dup, p.Ser3988fs (NM_017890.5); c.11886dupC (NM_152564.4); short protein forms S3963fs, S3988fs.
Identifiers: ClinVar variation 2147740 (VCV002147740.5), dbSNP rs1817660485, ClinGen allele CA462458541.
Genomic context (GRCh38, chr8:99,875,552, plus strand): 5'-TCACCTGGCCCCCAGCTGTTCTTCCATGCAAATACCATGCCCTGTGGTGGCTGCAGAACC[T>TC]CCCCCCTCCACTGTTAAAACATACCATTACCTGGTTGATCCACATTTTGCTCAGGTCTTC-3'